The following is an entry in ClinVar:

ClinVar aggregate classification (germline): Pathogenic (1 of 4 stars; one submission).

Conditions:
Hereditary spastic paraplegia 15 (SPG15). Also called: SPASTIC PARAPLEGIA 15, AUTOSOMAL RECESSIVE; KJELLIN SYNDROME; SPASTIC PARAPLEGIA AND RETINAL DEGENERATION. Identifiers: Orphanet 100996, MedGen C1849128, MONDO:0010044, OMIM 270700.

Submission:

Myriad Genetics, Inc.
Classification: Pathogenic for Hereditary spastic paraplegia 15. Last evaluated: 2024-09-02. Review status: criteria provided, single submitter. Criteria: Myriad Autosomal Dominant, Autosomal Recessive and X-Linked Classification Criteria (2023). Collection method: clinical testing. Allele origin: unknown.
Comment: NM_015346.3(ZFYVE26):c.2959delA(T987Pfs*13) is expected to be pathogenic in the context of spastic paraplegia type 15. This variant is predicted to lead to an abnormal or absent protein product due to the creation of a premature termination codon in ZFYVE26, a gene where loss-of-function variants are known to be pathogenic. Please note: this variant was assessed in the context of healthy population screening.

NM_015346.4(ZFYVE26):c.2959del (p.Thr987fs)

Gene: ZFYVE26 (zinc finger FYVE-type containing 26; minus strand). Cytogenetic location: 14q24.1.
Variant type: Deletion.
Coding change: c.2959del on transcript NM_015346.4 (MANE Select); coding-DNA position 2959, one base deleted (A; older notation c.2959delA).
Protein change: p.Thr987fs; shifts the reading frame from threonine 987.
Molecular consequence: frameshift variant.
Genome position (GRCh38, 1-based): chr14:67,789,395, T deleted on the plus strand (A on the coding strand, the reverse complement: ZFYVE26 is on the minus strand); the first of 4 consecutive T bases (chr14:67,789,395-67,789,398); deleting any one gives the same sequence. VCF-style (leftmost placement, unchanged base first): chr14-67789394-GT-G. GRCh37 (hg19) VCF-style: chr14-68256111-GT-G.
Other names: short protein forms T987fs.
Identifiers: ClinVar variation 5013518 (VCV005013518.1).